The following is an entry in ClinVar:

NM_004947.5(DOCK3):c.4089G>A (p.Lys1363=)

Gene: DOCK3 (dedicator of cytokinesis 3; plus strand). Cytogenetic location: 3p21.2.
Variant type: single nucleotide variant.
Coding change: c.4089G>A on transcript NM_004947.5 (MANE Select); coding-DNA position 4089, G replaced by A.
Protein change: p.Lys1363=; no amino-acid change (lysine 1363 retained).
Molecular consequence: synonymous variant.
Genome position (GRCh38, 1-based): chr3:51,350,374, G>A. VCF-style: chr3-51350374-G-A. GRCh37 (hg19) VCF-style: chr3-51387805-G-A.
Other names: c.4089G>A (NM_004947.4).
Identifiers: ClinVar variation 3025724 (VCV003025724.24), dbSNP rs143336219, ClinGen allele CA2421652.
Genomic context (GRCh38, chr3:51,350,374, plus strand): 5'-CATTATGGAGCAGCAACGCCTGGAGCCTGAGTTCTTTCGGGTCGGCTTCTATGGCAGGAA[G>A]TTTCCTTTCTTTCTTCGGGTGAGTCCATTCAGATGGTCACAAGAACTTATATATTTTACG-3'
Protein context (NP_004938.1, residues 1353-1373): EFFRVGFYGR[Lys1363=]FPFFLRNKEY

ClinVar aggregate classification (germline): Likely benign. Review status: criteria provided, multiple submitters, no conflicts (2 of 4 stars). 3 submissions from 3 submitters: Likely benign (2). 1 of the submissions does not count toward it. Last evaluated 2026-09-01.

Conditions:
DOCK3-related disorder. Also called: DOCK3-related condition.

Allele frequency attached by ClinVar (database versions not stated): gnomAD exomes 0.00027; ExAC 0.00078; 1000 Genomes Project 0.00120; 1000 Genomes Project 30x 0.00156; gnomAD 0.00260; ESP Exome Variant Server 0.00300; TOPMed 0.00305.
gnomAD v4.1: 791 of 1,612,350 alleles (0.049%); highest among the groups gnomAD compares: African/African-American, 0.85%; 5 homozygotes.

Submissions (3):

CeGaT Center for Human Genetics Tuebingen
Classification: Likely benign. Last evaluated: 2026-09-01. Review status: criteria provided, single submitter. Criteria: CeGaT Center For Human Genetics Tuebingen Variant Classification Criteria Version 2. Collection method: clinical testing. Allele origin: germline. Affected: yes. Observed: 6 variant alleles.
Comment: DOCK3: BP4, BP7

Blueprint Genetics
Classification: Likely benign. Last evaluated: 2024-11-14. Review status: criteria provided, single submitter. Criteria: ACMG Guidelines, 2015. Collection method: clinical testing. Allele origin: germline.

PreventionGenetics, part of Exact Sciences
Classification: Likely benign for DOCK3-related condition. Last evaluated: 2019-03-25. Review status: no assertion criteria provided. Collection method: clinical testing. Allele origin: germline. Not counted in ClinVar's aggregate classification.
Comment: This variant is classified as likely benign based on ACMG/AMP sequence variant interpretation guidelines (Richards et al. 2015 PMID: 25741868, with internal and published modifications).